The following is an entry in ClinVar:

ClinVar aggregate classification (germline): Uncertain significance (1 of 4 stars; one submission).

gnomAD v4.1: 3 of 1,202,273 alleles (0.00025%); highest among the groups gnomAD compares: Non-Finnish European, 0.00034%; no homozygotes.

Submission:

Labcorp Genetics (formerly Invitae), Labcorp
Classification: Uncertain significance. Last evaluated: 2024-05-01. Review status: criteria provided, single submitter. Criteria: Invitae Variant Classification Sherloc (09022015). Collection method: clinical testing. Allele origin: germline.
Comment: This sequence change replaces methionine, which is neutral and non-polar, with valine, which is neutral and non-polar, at codon 693 of the OPHN1 protein (p.Met693Val). This variant is not present in population databases (gnomAD no frequency). This variant has not been reported in the literature in individuals affected with OPHN1-related conditions. Algorithms developed to predict the effect of missense changes on protein structure and function output the following: SIFT: "Not Available"; PolyPhen-2: "Benign"; Align-GVGD: "Not Available". The valine amino acid residue is found in multiple mammalian species, which suggests that this missense change does not adversely affect protein function. In summary, the available evidence is currently insufficient to determine the role of this variant in disease. Therefore, it has been classified as a Variant of Uncertain Significance.

NM_002547.3(OPHN1):c.2077A>G (p.Met693Val)

Gene: OPHN1 (oligophrenin 1; minus strand). Cytogenetic location: Xq12.
Variant type: single nucleotide variant.
Coding change: c.2077A>G on transcript NM_002547.3 (MANE Select); coding-DNA position 2077, A replaced by G.
Protein change: p.Met693Val; replaces methionine 693 with valine.
Molecular consequence: missense variant.
Genome position (GRCh38, 1-based): chrX:68,063,935, T>C on the plus strand (A>G on the coding strand, the complement: OPHN1 is on the minus strand). VCF-style: chrX-68063935-T-C. GRCh37 (hg19) VCF-style: chrX-67283777-T-C.
Other names: short protein forms M693V.
Identifiers: ClinVar variation 3673845 (VCV003673845.2).